The following is an entry in ClinVar:

ClinVar aggregate classification (germline): Uncertain significance (1 of 4 stars; one submission).

Conditions:
Intellectual developmental disorder, X-linked 93. Also called: MENTAL RETARDATION, X-LINKED, WITH MACROCEPHALY; Intellectual disability, X-linked 93. Identifiers: MedGen C1970841, MONDO:0010393, OMIM 300659.

Submission:

Laboratorio de Genetica e Diagnostico Molecular, Hospital Israelita Albert Einstein
Classification: Uncertain significance for Intellectual developmental disorder, X-linked 93. Last evaluated: 2024-07-14. Review status: criteria provided, single submitter. Criteria: ACMG Guidelines, 2015. Collection method: clinical testing. Allele origin: germline. Affected: yes.
Comment: ACMG classification criteria: PM2 supporting, PP2 supporting, PP3 supporting

NM_153252.5(BRWD3):c.590C>T (p.Thr197Ile)

Gene: BRWD3 (bromodomain and WD repeat domain containing 3; minus strand). Cytogenetic location: Xq21.1.
Variant type: single nucleotide variant.
Coding change: c.590C>T on transcript NM_153252.5 (MANE Select); coding-DNA position 590, C replaced by T.
Protein change: p.Thr197Ile; replaces threonine 197 with isoleucine.
Molecular consequence: missense variant.
Genome position (GRCh38, 1-based): chrX:80,745,570, G>A on the plus strand (C>T on the coding strand, the complement: BRWD3 is on the minus strand). VCF-style: chrX-80745570-G-A. GRCh37 (hg19) VCF-style: chrX-80001069-G-A.
Other names: short protein forms T197I.
Identifiers: ClinVar variation 3902002 (VCV003902002.1).
Genomic context (GRCh38, chrX:80,745,570, plus strand): 5'-GTCTGGCTTCAATTGTTGTAATTCTATATATGTTACCATATTATAAATTTTACACTCACT[G>A]TAAAAATTCTTCTCCCGCTTCGGTCAAATGCTACACAGTAGACAGATGACAAGTGCCCCA-3'
Protein context (NP_694984.5, residues 187-207): AFDRSGRRIF[Thr197Ile]GSDDCLVKIW